The following is an entry in ClinVar:

NM_001854.4(COL11A1):c.2452C>T (p.Arg818Ter)

Gene: COL11A1 (collagen type XI alpha 1 chain; minus strand). Cytogenetic location: 1p21.1.
Variant type: single nucleotide variant.
Coding change: c.2452C>T on transcript NM_001854.4 (MANE Select); coding-DNA position 2452, C replaced by T.
Protein change: p.Arg818Ter; replaces arginine 818 with a stop codon.
Molecular consequence: nonsense. On other transcripts: non-coding transcript variant (1).
Genome position (GRCh38, 1-based): chr1:102,987,683, G>A on the plus strand (C>T on the coding strand, the complement: COL11A1 is on the minus strand). VCF-style: chr1-102987683-G-A. GRCh37 (hg19) VCF-style: chr1-103453239-G-A.
Other names: c.2104C>T, p.Arg702Ter (NM_001168249.1, NM_080630.4); c.2335C>T, p.Arg779Ter (NM_001190709.2); c.2488C>T, p.Arg830Ter (NM_080629.3); short protein forms R779*, R830*, R702*, R818*.
Identifiers: ClinVar variation 2733965 (VCV002733965.3), dbSNP rs2525205301, ClinGen allele CA341166039.

ClinVar aggregate classification (germline): Pathogenic (1 of 4 stars; one submission).

Allele frequency attached by ClinVar (database versions not stated): gnomAD exomes below 0.00001.
gnomAD v4.1: 1 of 1,613,494 alleles (0.000062%); highest among the groups gnomAD compares: Non-Finnish European, 0.000085%; no homozygotes.

Submission:

Labcorp Genetics (formerly Invitae), Labcorp
Classification: Pathogenic. Last evaluated: 2022-11-07. Review status: criteria provided, single submitter. Criteria: Invitae Variant Classification Sherloc (09022015). Collection method: clinical testing. Allele origin: germline.
Comment: For these reasons, this variant has been classified as Pathogenic. This variant has not been reported in the literature in individuals affected with COL11A1-related conditions. This variant is not present in population databases (gnomAD no frequency). This sequence change creates a premature translational stop signal (p.Arg818*) in the COL11A1 gene. It is expected to result in an absent or disrupted protein product. Loss-of-function variants in COL11A1 are known to be pathogenic (PMID: 20513134, 21035103, 23922384, 25240749, 32427345, 32756486).

Literature cited by the submitters: PubMed 20513134; PubMed 21035103; PubMed 23922384; PubMed 25240749; PubMed 32427345; PubMed 32756486.